The following is an entry in ClinVar:

NM_000391.4(TPP1):c.530C>T (p.Pro177Leu)

Gene: TPP1 (tripeptidyl peptidase 1; minus strand). Cytogenetic location: 11p15.4.
Variant type: single nucleotide variant.
Coding change: c.530C>T on transcript NM_000391.4 (MANE Select); coding-DNA position 530, C replaced by T.
Protein change: p.Pro177Leu; replaces proline 177 with leucine.
Molecular consequence: missense variant.
Genome position (GRCh38, 1-based): chr11:6,617,132, G>A on the plus strand (C>T on the coding strand, the complement: TPP1 is on the minus strand). VCF-style: chr11-6617132-G-A. GRCh37 (hg19) VCF-style: chr11-6638363-G-A.
Other names: c.530C>T (NM_000391.3); short protein forms P177L.
Identifiers: ClinVar variation 1443267 (VCV001443267.7), dbSNP rs753351050, ClinGen allele CA5858902.

ClinVar aggregate classification (germline): Uncertain significance. Review status: criteria provided, multiple submitters, no conflicts (2 of 4 stars). 3 submissions from 3 submitters: Uncertain significance (3). Last evaluated 2024-11-22.

Conditions:
Inborn genetic diseases. Identifiers: MedGen C0950123, MeSH D030342.

Allele frequency attached by ClinVar (database versions not stated): TOPMed below 0.00001; gnomAD exomes 0.00002 and 0.00005; ExAC 0.00006.

Submissions (3):

Blueprint Genetics
Classification: Uncertain significance. Last evaluated: 2024-11-22. Review status: criteria provided, single submitter. Criteria: ACMG Guidelines, 2015. Collection method: clinical testing. Allele origin: germline.

Ambry Genetics
Classification: Uncertain significance for Inborn genetic diseases. Last evaluated: 2023-07-12. Review status: criteria provided, single submitter. Criteria: Ambry Variant Classification Scheme 2023. Collection method: clinical testing. Allele origin: germline.

Labcorp Genetics (formerly Invitae), Labcorp
Classification: Uncertain significance. Last evaluated: 2022-08-10. Review status: criteria provided, single submitter. Criteria: Invitae Variant Classification Sherloc (09022015). Collection method: clinical testing. Allele origin: germline.
Comment: This sequence change replaces proline, which is neutral and non-polar, with leucine, which is neutral and non-polar, at codon 177 of the TPP1 protein (p.Pro177Leu). This variant is present in population databases (rs753351050, gnomAD 0.04%), including at least one homozygous and/or hemizygous individual. This variant has not been reported in the literature in individuals affected with TPP1-related conditions. ClinVar contains an entry for this variant (Variation ID: 1443267). Advanced modeling of protein sequence and biophysical properties (such as structural, functional, and spatial information, amino acid conservation, physicochemical variation, residue mobility, and thermodynamic stability) performed at Invitae indicates that this missense variant is expected to disrupt TPP1 protein function. In summary, the available evidence is currently insufficient to determine the role of this variant in disease. Therefore, it has been classified as a Variant of Uncertain Significance.